The following is an entry in ClinVar:

NC_000003.12:g.169764729G>A

Genes: TERC (telomerase RNA component; minus strand), LOC110806306 (telomerase RNA component (TERC) promoter; plus strand). Cytogenetic location: 3q26.2.
Variant type: single nucleotide variant.
Genome position: GRCh38 VCF-style: chr3-169764729-G-A. GRCh37 (hg19) VCF-style: chr3-169482517-G-A.
Identifiers: ClinVar variation 2194920 (VCV002194920.4), dbSNP rs1286250326, ClinGen allele CA436715021.

ClinVar aggregate classification (germline): Uncertain significance (1 of 4 stars; one submission).

Conditions:
Dyskeratosis congenita, autosomal dominant 1 (DKCA1). Also called: Dyskeratosis congenita Scoggins type. Identifiers: Orphanet 1775, MedGen C4551974, MONDO:0007485, OMIM 127550. Inheritance: Variable.

Submission:

Labcorp Genetics (formerly Invitae), Labcorp
Classification: Uncertain significance for Dyskeratosis congenita, autosomal dominant 1. Last evaluated: 2023-10-13. Review status: criteria provided, single submitter. Criteria: Invitae Variant Classification Sherloc (09022015). Collection method: clinical testing. Allele origin: germline.
Comment: This variant occurs in the TERC gene, which encodes an RNA molecule that does not result in a protein product. The frequency data for this variant in the population databases is considered unreliable, as metrics indicate poor data quality at this position in the gnomAD database. This variant has not been reported in the literature in individuals affected with TERC-related conditions. ClinVar contains an entry for this variant (Variation ID: 2194920). Experimental studies and prediction algorithms are not available or were not evaluated, and the functional significance of this variant is currently unknown. This variant is located within the hypervariable region that is not conserved in the TERC RNA component (PMID: 10721988, 21844345). The functional significance of this region is not well understood. In summary, the available evidence is currently insufficient to determine the role of this variant in disease. Therefore, it has been classified as a Variant of Uncertain Significance.

Literature cited by the submitters: PubMed 10721988; PubMed 21844345.